The following is an entry in ClinVar:

NM_000383.4(AIRE):c.1048C>T (p.Pro350Ser)

Gene: AIRE (autoimmune regulator; plus strand). Cytogenetic location: 21q22.3.
Variant type: single nucleotide variant.
Coding change: c.1048C>T on transcript NM_000383.4 (MANE Select); coding-DNA position 1048, C replaced by T.
Protein change: p.Pro350Ser; replaces proline 350 with serine.
Molecular consequence: missense variant.
Genome position (GRCh38, 1-based): chr21:44,292,354, C>T. VCF-style: chr21-44292354-C-T. GRCh37 (hg19) VCF-style: chr21-45712237-C-T.
Other names: short protein forms P350S.
Identifiers: ClinVar variation 846021 (VCV000846021.9), dbSNP rs554591629, ClinGen allele CA10051904.

ClinVar aggregate classification (germline): Uncertain significance. Review status: criteria provided, multiple submitters, no conflicts (2 of 4 stars). 3 submissions from 3 submitters: Uncertain significance (2). 1 of the submissions does not count toward it. Last evaluated 2024-10-13.

Conditions:
Polyglandular autoimmune syndrome, type 1 (APS1). Also called: HYPOADRENOCORTICISM WITH HYPOPARATHYROIDISM AND SUPERFICIAL MONILIASIS; Whitaker syndrome; PGA I; Autoimmune polyendocrinopathy syndrome , type I, with or without reversible metaphyseal dysplasia; APS I; Autoimmune polyendocrine syndrome type 1. Identifiers: Orphanet 3453, MedGen C0085859, MONDO:0009411, OMIM 240300.

Allele frequency attached by ClinVar (database versions not stated): gnomAD exomes 0.00002; TOPMed 0.00002; gnomAD 0.00005 and 0.00006; ExAC 0.00008; 1000 Genomes Project 30x 0.00031; 1000 Genomes Project 0.00040.
gnomAD v4.1: 22 of 1,573,518 alleles (0.0014%); highest among the groups gnomAD compares: Admixed American, 0.031%; no homozygotes.

Submissions (3):

Labcorp Genetics (formerly Invitae), Labcorp
Classification: Uncertain significance for Polyglandular autoimmune syndrome, type 1. Last evaluated: 2024-10-13. Review status: criteria provided, single submitter. Criteria: Invitae Variant Classification Sherloc (09022015). Collection method: clinical testing. Allele origin: germline.
Comment: This sequence change replaces proline, which is neutral and non-polar, with serine, which is neutral and polar, at codon 350 of the AIRE protein (p.Pro350Ser). The frequency data for this variant in the population databases is considered unreliable, as metrics indicate poor data quality at this position in the gnomAD database. This variant has not been reported in the literature in individuals affected with AIRE-related conditions. ClinVar contains an entry for this variant (Variation ID: 846021). Invitae Evidence Modeling of protein sequence and biophysical properties (such as structural, functional, and spatial information, amino acid conservation, physicochemical variation, residue mobility, and thermodynamic stability) indicates that this missense variant is not expected to disrupt AIRE protein function with a negative predictive value of 95%. In summary, the available evidence is currently insufficient to determine the role of this variant in disease. Therefore, it has been classified as a Variant of Uncertain Significance.

Blueprint Genetics
Classification: Uncertain significance. Last evaluated: 2020-10-30. Review status: criteria provided, single submitter. Criteria: ACMG Guidelines, 2015. Collection method: clinical testing. Allele origin: germline.

Natera, Inc.
Classification: Uncertain significance for Polyglandular autoimmune syndrome type 1. Last evaluated: 2020-03-17. Review status: no assertion criteria provided. Collection method: clinical testing. Allele origin: germline. Not counted in ClinVar's aggregate classification.